The following is an entry in ClinVar:

ClinVar aggregate classification (germline): Uncertain significance (1 of 4 stars; one submission).

Conditions:
Progressive familial heart block type IB (PFHB1B). Identifiers: Orphanet 871, MedGen C1970298, MONDO:0011474, OMIM 604559.

Submission:

Labcorp Genetics (formerly Invitae), Labcorp
Classification: Uncertain significance for Progressive familial heart block type IB. Last evaluated: 2022-04-18. Review status: criteria provided, single submitter. Criteria: Invitae Variant Classification Sherloc (09022015). Collection method: clinical testing. Allele origin: germline.
Comment: In summary, the available evidence is currently insufficient to determine the role of this variant in disease. Therefore, it has been classified as a Variant of Uncertain Significance. This variant has not been reported in the literature in individuals affected with TRPM4-related conditions. This variant is not present in population databases (gnomAD no frequency). This sequence change creates a premature translational stop signal (p.Phe1047Hisfs*70) in the TRPM4 gene. It is expected to result in an absent or disrupted protein product. However, the current clinical and genetic evidence is not sufficient to establish whether loss-of-function variants in TRPM4 cause disease.

NM_017636.4(TRPM4):c.3135_3138dup (p.Phe1047fs)

Gene: TRPM4 (transient receptor potential cation channel subfamily M member 4; plus strand). Cytogenetic location: 19q13.33.
Variant type: Microsatellite.
Coding change: c.3135_3138dup on transcript NM_017636.4 (MANE Select); coding-DNA positions 3135 to 3138, 4 bases duplicated (CACA; older notation c.3135_3138dupCACA).
Protein change: p.Phe1047fs; shifts the reading frame from phenylalanine 1047.
Molecular consequence: frameshift variant.
Genome position (GRCh38, 1-based): chr19:49,210,212-49,210,215, CACA duplicated; duplicating any 4 consecutive bases within chr19:49,210,211-49,210,215 gives the same sequence; the c. name uses the placement nearest the transcript's 3' end. VCF-style (leftmost placement, unchanged base first): chr19-49210210-T-TACAC. GRCh37 (hg19) VCF-style: chr19-49713467-T-TACAC.
Other names: c.2700_2703dup, p.Phe902fs (NM_001195227.2); c.2790_2793dup, p.Phe932fs (NM_001321281.2); c.1527_1530dup, p.Phe511fs (NM_001321282.2); c.2613_2616dup, p.Phe873fs (NM_001321283.2); c.2073_2076dup, p.Phe693fs (NM_001321285.2); short protein forms F1047fs, F693fs, F511fs, F902fs, F932fs, F873fs.
Identifiers: ClinVar variation 2127539 (VCV002127539.4), dbSNP rs2514238074, ClinGen allele CA2580614936.